The following is an entry in ClinVar:

ClinVar aggregate classification (germline): Uncertain significance (1 of 4 stars; one submission).

Conditions:
Familial cancer of breast. Also called: BREAST CANCER, FAMILIAL; Hereditary breast cancer; hereditary breast carcinoma. Identifiers: Orphanet 227535, MedGen C0346153, MONDO:0016419, OMIM 114480. Disease mechanism: loss of function.

Submission:

Labcorp Genetics (formerly Invitae), Labcorp
Classification: Uncertain significance for Familial cancer of breast. Last evaluated: 2024-04-16. Review status: criteria provided, single submitter. Criteria: Invitae Variant Classification Sherloc (09022015). Collection method: clinical testing. Allele origin: germline.
Comment: This sequence change replaces serine, which is neutral and polar, with threonine, which is neutral and polar, at codon 1169 of the PALB2 protein (p.Ser1169Thr). This variant is not present in population databases (gnomAD no frequency). This variant has not been reported in the literature in individuals affected with PALB2-related conditions. ClinVar contains an entry for this variant (Variation ID: 1901623). An algorithm developed to predict the effect of missense changes on protein structure and function (PolyPhen-2) suggests that this variant is likely to be disruptive. In summary, the available evidence is currently insufficient to determine the role of this variant in disease. Therefore, it has been classified as a Variant of Uncertain Significance.

NM_024675.4(PALB2):c.3505T>A (p.Ser1169Thr)

Gene: PALB2 (partner and localizer of BRCA2; minus strand). Cytogenetic location: 16p12.2.
Variant type: single nucleotide variant.
Coding change: c.3505T>A on transcript NM_024675.4 (MANE Select); coding-DNA position 3505, T replaced by A.
Protein change: p.Ser1169Thr; replaces serine 1169 with threonine.
Molecular consequence: missense variant.
Genome position (GRCh38, 1-based): chr16:23,603,515, A>T on the plus strand (T>A on the coding strand, the complement: PALB2 is on the minus strand). VCF-style: chr16-23603515-A-T. GRCh37 (hg19) VCF-style: chr16-23614836-A-T.
Other names: c.3445T>A, p.Ser1149Thr (NM_001407296.1); c.3433T>A, p.Ser1145Thr (NM_001407297.1); c.3343T>A, p.Ser1115Thr (NM_001407298.1); c.3268T>A, p.Ser1090Thr (NM_001407299.1); c.3226T>A, p.Ser1076Thr (NM_001407300.1); c.*140T>A (NM_001407301.1, NM_001407302.1, NM_001407310.1 and 2 more transcripts); c.2620T>A, p.Ser874Thr (NM_001407304.1, NM_001407305.1, NM_001407306.1); c.2458T>A, p.Ser820Thr (NM_001407307.1); and 3 more; short protein forms S1090T, S347T, S1145T, S573T, S820T, S1115T, S1076T, S1149T.
Identifiers: ClinVar variation 1901623 (VCV001901623.5), dbSNP rs2142251927, ClinGen allele CA395137885.
Genomic context (GRCh38, chr16:23,603,515, plus strand): 5'-TAACTTATGAATAGTGGTATACAAATATATTTCCATCTTTTTGTCCAGCCAGCAAATGAG[A>T]GTCTGTACCCGACCATTTCACAAAAGACCAATGTTGGTCAGAGACAGGTGGGAGGAGGGC-3'
Protein context (NP_078951.2, residues 1159-1179): WSFVKWSGTD[Ser1169Thr]HLLAGQKDGN